The following is an entry in ClinVar:

ClinVar aggregate classification (germline): Benign/Likely benign. Review status: criteria provided, multiple submitters, no conflicts (2 of 4 stars). 27 submissions from 20 submitters: Benign (18); Likely benign (3). 6 of the submissions do not count toward it. Last evaluated 2026-02-03.

Conditions:
Dilated cardiomyopathy 1G (CMD1G). Identifiers: Orphanet 154, MedGen C1858763, MONDO:0011400, OMIM 604145.
Autosomal recessive limb-girdle muscular dystrophy type 2J (LGMDR10). Also called: MUSCULAR DYSTROPHY, LIMB-GIRDLE, AUTOSOMAL RECESSIVE 10; Limb-girdle muscular dystrophy, type 2J. Identifiers: Orphanet 140922, MedGen C1837342, MONDO:0012127, OMIM 608807.
Cardiovascular phenotype. Identifiers: MedGen CN230736.
Cardiomyopathy (CMYO). Also called: Cardiomyopathies. Identifiers: Orphanet 167848, MedGen C0878544, MONDO:0004994, HP:0001638. Inheritance: Various modes of inheritance.
Myopathy, myofibrillar, 9, with early respiratory failure (MFM9). Also called: Myopathy, distal, with early respiratory failure, autosomal dominant; Hereditary myopathy with early respiratory failure; MYOPATHY, PROXIMAL, WITH EARLY RESPIRATORY MUSCLE INVOLVEMENT; EDSTROM MYOPATHY. Identifiers: Orphanet 178464, Orphanet 34521, MedGen C1863599, MONDO:0011362, OMIM 603689.
Early-onset myopathy with fatal cardiomyopathy (CMYO5). Also called: CONGENITAL MYOPATHY 5 WITH CARDIOMYOPATHY; Salih Myopathy. Identifiers: Orphanet 289377, MedGen C2673677, MONDO:0012714, OMIM 611705. Disease mechanism: loss of function.
Tibial muscular dystrophy (TMD). Also called: Udd Distal Myopathy – Tibial Muscular Dystrophy; Tibial muscular dystrophy, tardive; UDD MYOPATHY. Identifiers: Orphanet 609, MedGen C1838244, MONDO:0010870, OMIM 600334.

Allele frequency attached by ClinVar (database versions not stated): gnomAD 0.00893 and 0.00666; gnomAD exomes 0.00794 and 0.01653; TOPMed 0.00686; ExAC 0.01645; 1000 Genomes Project 30x 0.03232; ESP Exome Variant Server 0.00265; 1000 Genomes Project 0.03574.
gnomAD v4.1: 13,257 of 1,613,534 alleles (0.82%); highest among the groups gnomAD compares: East Asian, 13%; 485 homozygotes.

Submissions (32):

Labcorp Genetics (formerly Invitae), Labcorp
Classification: Benign for Dilated cardiomyopathy 1G; Autosomal recessive limb-girdle muscular dystrophy type 2J. Last evaluated: 2026-02-03. Review status: criteria provided, single submitter. Criteria: Invitae Variant Classification Sherloc (09022015). Collection method: clinical testing. Allele origin: germline.

Molecular Diagnostic Laboratory for Inherited Cardiovascular Disease, Montreal Heart Institute
Classification: Likely benign. Last evaluated: 2025-07-24. Review status: criteria provided, single submitter. Criteria: ACMG Guidelines, 2015. Collection method: clinical testing. Allele origin: germline. Affected: no.

Genome-Nilou Lab
Classification: Benign for Autosomal recessive limb-girdle muscular dystrophy type 2J. Last evaluated: 2021-09-10. Review status: criteria provided, single submitter. Criteria: ACMG Guidelines, 2015. Collection method: clinical testing. Allele origin: germline. Affected: no.

Genome-Nilou Lab
Classification: Benign for Myopathy, myofibrillar, 9, with early respiratory failure. Last evaluated: 2021-09-10. Review status: criteria provided, single submitter. Criteria: ACMG Guidelines, 2015. Collection method: clinical testing. Allele origin: germline. Affected: no.

Genome-Nilou Lab
Classification: Benign for Early-onset myopathy with fatal cardiomyopathy. Last evaluated: 2021-09-10. Review status: criteria provided, single submitter. Criteria: ACMG Guidelines, 2015. Collection method: clinical testing. Allele origin: germline. Affected: no.

Genome-Nilou Lab
Classification: Benign for Tibial muscular dystrophy. Last evaluated: 2021-09-10. Review status: criteria provided, single submitter. Criteria: ACMG Guidelines, 2015. Collection method: clinical testing. Allele origin: germline. Affected: no.

Women's Health and Genetics/Laboratory Corporation of America, LabCorp
Classification: Likely benign. Last evaluated: 2020-11-09. Review status: criteria provided, single submitter. Criteria: LabCorp Variant Classification Summary - May 2015. Collection method: clinical testing. Allele origin: germline.

Athena Diagnostics
Classification: Benign. Last evaluated: 2019-06-26. Review status: criteria provided, single submitter. Criteria: Athena Diagnostics Criteria. Collection method: clinical testing. Allele origin: germline.

Illumina Laboratory Services, Illumina
Classification: Benign for Autosomal recessive limb-girdle muscular dystrophy type 2J. Last evaluated: 2018-01-13. Review status: criteria provided, single submitter. Criteria: ICSL Variant Classification Criteria 13 December 2019. Collection method: clinical testing. Allele origin: germline.
Comment: This variant was observed in the ICSL laboratory as part of a predisposition screen in an ostensibly healthy population. It had not been previously curated by ICSL or reported in the Human Gene Mutation Database (HGMD: prior to June 1st, 2018), and was therefore a candidate for classification through an automated scoring system. Utilizing variant allele frequency, disease prevalence and penetrance estimates, and inheritance mode, an automated score was calculated to assess if this variant is too frequent to cause the disease. Based on the score and internal cut-off values, a variant classified as benign is not then subjected to further curation. The score for this variant resulted in a classification of benign for this disease.

Illumina Laboratory Services, Illumina
Classification: Benign for Tibial muscular dystrophy. Last evaluated: 2018-01-13. Review status: criteria provided, single submitter. Criteria: ICSL Variant Classification Criteria 13 December 2019. Collection method: clinical testing. Allele origin: germline.
Comment: the same text as in the submission from Illumina Laboratory Services, Illumina above.

Illumina Laboratory Services, Illumina
Classification: Benign for Dilated cardiomyopathy 1G. Last evaluated: 2018-01-13. Review status: criteria provided, single submitter. Criteria: ICSL Variant Classification Criteria 13 December 2019. Collection method: clinical testing. Allele origin: germline.
Comment: the same text as in the submission from Illumina Laboratory Services, Illumina above.

Illumina Laboratory Services, Illumina
Classification: Benign for Myopathy, myofibrillar, 9, with early respiratory failure. Last evaluated: 2018-01-13. Review status: criteria provided, single submitter. Criteria: ICSL Variant Classification Criteria 13 December 2019. Collection method: clinical testing. Allele origin: germline.
Comment: the same text as in the submission from Illumina Laboratory Services, Illumina above.

Illumina Laboratory Services, Illumina
Classification: Benign for Early-onset myopathy with fatal cardiomyopathy. Last evaluated: 2018-01-13. Review status: criteria provided, single submitter. Criteria: ICSL Variant Classification Criteria 13 December 2019. Collection method: clinical testing. Allele origin: germline.
Comment: the same text as in the submission from Illumina Laboratory Services, Illumina above.

Mayo Clinic Laboratories, Mayo Clinic
Classification: Benign. Last evaluated: 2017-12-11. Review status: criteria provided, single submitter. Criteria: ACMG Guidelines, 2015. Collection method: clinical testing. Allele origin: germline. Observed: 36 variant alleles.

CHEO Genetics Diagnostic Laboratory, Children's Hospital of Eastern Ontario
Classification: Benign for Cardiomyopathy. Last evaluated: 2015-12-17. Review status: criteria provided, single submitter. Criteria: ACMG Guidelines, 2015. Collection method: clinical testing. Allele origin: germline. Study: Canadian Open Genetics Repository.

Eurofins Ntd Llc (ga)
Classification: Benign. Last evaluated: 2015-06-10. Review status: criteria provided, single submitter. Criteria: EGL Classification Definitions 2015. Collection method: clinical testing. Allele origin: germline. Observed: 1 variant allele, 1 heterozygote.

GeneDx
Classification: Benign. Last evaluated: 2014-01-09. Review status: criteria provided, single submitter. Criteria: GeneDx Variant Classification (06012015). Collection method: clinical testing. Allele origin: germline. Affected: yes.
Comment: This variant is considered likely benign or benign based on one or more of the following criteria: it is a conservative change, it occurs at a poorly conserved position in the protein, it is predicted to be benign by multiple in silico algorithms, and/or has population frequency not consistent with disease.

Biesecker Lab/Clinical Genomics Section, National Institutes of Health
Classification: Benign. Last evaluated: 2013-06-24. Review status: criteria provided, single submitter. Criteria: Ng et al. (Circ Cardiovasc Genet. 2013). Collection method: research. Allele origin: unknown. Observed: 13 variant alleles. Study: ClinSeq.
Comment: The study set was not selected for affection status in relation to any cancer. Pathogenicity categories were based on literature curation. See Pubmed ID:23861362 for details.

Medical sequencing

Laboratory for Molecular Medicine, Mass General Brigham Personalized Medicine
Classification: Benign. Last evaluated: 2012-09-01. Review status: criteria provided, single submitter. Criteria: LMM Criteria. Collection method: clinical testing. Allele origin: germline. Observed: 24 variant alleles.
Comment: 3.1% (26/8230) of Eur Amer chrom in ESP

Ambry Genetics
Classification: Benign for Cardiovascular phenotype. Last evaluated: 2012-08-10. Review status: criteria provided, single submitter. Criteria: Ambry Autosomal Dominant and X-Linked criteria (10/2015). Collection method: clinical testing. Allele origin: germline. Observed: 1 variant allele.

Breakthrough Genomics
Classification: Likely benign. Review status: criteria provided, single submitter. Criteria: ACMG Guidelines, 2015. Collection method: not provided. Allele origin: germline. Inheritance: Autosomal recessive inheritance. Affected: yes.

Clinical Genetics DNA and cytogenetics Diagnostics Lab, Erasmus MC, Erasmus Medical Center
Classification: Benign. Review status: no assertion criteria provided. Collection method: clinical testing. Allele origin: germline. Affected: yes. Study: VKGL Data-share Consensus. Not counted in ClinVar's aggregate classification.

Clinical Genetics, Academic Medical Center
Classification: Benign. Review status: no assertion criteria provided. Collection method: clinical testing. Allele origin: germline. Affected: yes. Study: VKGL Data-share Consensus. Not counted in ClinVar's aggregate classification.

Dr. Peter K. Rogan Lab, Western University
No classification provided (evidence only). Condition: Colon adenocarcinoma. Review status: no classification provided. Collection method: in vitro. Allele origin: not applicable. Functional consequence: retained intron. Not counted in ClinVar's aggregate classification.

Dr. Peter K. Rogan Lab, Western University
No classification provided (evidence only). Condition: Ovarian serous cystadenocarcinoma. Review status: no classification provided. Collection method: in vitro. Allele origin: not applicable. Functional consequence: retained intron. Not counted in ClinVar's aggregate classification.

Dr. Peter K. Rogan Lab, Western University
No classification provided (evidence only). Condition: Malignant tumor of esophagus. Review status: no classification provided. Collection method: in vitro. Allele origin: not applicable. Functional consequence: retained intron. Not counted in ClinVar's aggregate classification.

Dr. Peter K. Rogan Lab, Western University
No classification provided (evidence only). Condition: Malignant tumor of esophagus. Review status: no classification provided. Collection method: in vitro. Allele origin: not applicable. Functional consequence: retained intron. Not counted in ClinVar's aggregate classification.

Dr. Peter K. Rogan Lab, Western University
No classification provided (evidence only). Condition: Malignant tumor of esophagus. Review status: no classification provided. Collection method: in vitro. Allele origin: not applicable. Functional consequence: retained intron. Not counted in ClinVar's aggregate classification.

Genetic Services Laboratory, University of Chicago
Classification: Likely benign for AllHighlyPenetrant. Review status: no assertion criteria provided. Collection method: clinical testing. Allele origin: germline. Not counted in ClinVar's aggregate classification.
Comment: Likely benign based on allele frequency in 1000 Genomes Project or ESP global frequency and its presence in a patient with a rare or unrelated disease phenotype. NOT Sanger confirmed.

Genome Diagnostics Laboratory, University Medical Center Utrecht
Classification: Likely benign. Review status: no assertion criteria provided. Collection method: clinical testing. Allele origin: germline. Affected: yes. Study: VKGL Data-share Consensus. Not counted in ClinVar's aggregate classification.

Joint Genome Diagnostic Labs from Nijmegen and Maastricht, Radboudumc and MUMC+
Classification: Benign. Review status: no assertion criteria provided. Collection method: clinical testing. Allele origin: germline. Affected: yes. Study: VKGL Data-share Consensus. Not counted in ClinVar's aggregate classification.

Laboratory of Diagnostic Genome Analysis, Leiden University Medical Center (LUMC)
Classification: Likely benign. Review status: no assertion criteria provided. Collection method: clinical testing. Allele origin: germline. Affected: yes. Study: VKGL Data-share Consensus. Not counted in ClinVar's aggregate classification.

Literature cited by the submitters: PubMed 27868399 (cited by Athena Diagnostics).

NM_001267550.2(TTN):c.21044C>T (p.Ala7015Val)

Genes: TTN (titin; minus strand), LOC126806428 (BRD4-independent group 4 enhancer GRCh37_chr2:179588362-179589561; plus strand). Cytogenetic location: 2q31.2.
Variant type: single nucleotide variant.
Coding change: c.21044C>T on transcript NM_001267550.2 (MANE Select); coding-DNA position 21044, C replaced by T.
Protein change: p.Ala7015Val; replaces alanine 7015 with valine.
Molecular consequence: missense variant. On other transcripts: intron variant (3).
Genome position (GRCh38, 1-based): chr2:178,724,331, G>A on the plus strand (C>T on the coding strand, the complement: TTN is on the minus strand). VCF-style: chr2-178724331-G-A. GRCh37 (hg19) VCF-style: chr2-179589058-G-A.
Other names: p.A5771V:GCA>GTA; c.20093C>T, p.Ala6698Val (NM_001256850.1); c.17312C>T, p.Ala5771Val (NM_133378.4); c.13282+13751C>T (NM_003319.4); c.13858+13751C>T (NM_133437.4); c.13657+13751C>T (NM_133432.3); short protein forms A7015V, A5771V, A6698V.
Identifiers: ClinVar variation 46680 (VCV000046680.39), dbSNP rs72648960, ClinGen allele CA282793.